The following is an entry in ClinVar:

ClinVar aggregate classification (germline): Uncertain significance. Review status: criteria provided, multiple submitters, no conflicts (2 of 4 stars). 3 submissions from 3 submitters: Uncertain significance (2). 1 of the submissions does not count toward it. Last evaluated 2024-04-17.

Conditions:
Gillessen-Kaesbach-Nishimura syndrome (GIKANIS). Identifiers: MedGen C1849762, MONDO:0009890, OMIM 263210.
ALG9 congenital disorder of glycosylation (CDG1L). Also called: ALG9-CDG; CDG Il; CONGENITAL DISORDER OF GLYCOSYLATION, TYPE Il. Identifiers: Orphanet 79328, MedGen C2931006, MONDO:0012117, OMIM 608776.
Autosomal dominant polycystic liver disease. Also called: Polycystic liver disease; Congenital cystic disease of liver. Identifiers: Orphanet 2924, MedGen C0158683, MONDO:0000447, HP:0006557.
Inborn genetic diseases. Identifiers: MedGen C0950123, MeSH D030342.

Allele frequency attached by ClinVar (database versions not stated): gnomAD exomes 0.00007; ExAC 0.00009; gnomAD 0.00010 and 0.00011; TOPMed 0.00016; ESP Exome Variant Server 0.00017.
gnomAD v4.1: 114 of 1,613,924 alleles (0.0071%); highest among the groups gnomAD compares: African/African-American, 0.023%; no homozygotes.

Submissions (3):

Ambry Genetics
Classification: Uncertain significance for Inborn genetic diseases. Last evaluated: 2024-04-17. Review status: criteria provided, single submitter. Criteria: Ambry Variant Classification Scheme 2023. Collection method: clinical testing. Allele origin: germline.

Fulgent Genetics
Classification: Uncertain significance for Gillessen-Kaesbach-Nishimura syndrome; ALG9 congenital disorder of glycosylation. Last evaluated: 2024-03-19. Review status: criteria provided, single submitter. Criteria: ACMG Guidelines, 2015. Collection method: clinical testing. Allele origin: germline.

Stefan Somlo Laboratory, Yale School of Medicine
Classification: Benign for Polycystic liver disease. Last evaluated: 2019-05-21. Review status: no assertion criteria provided. Collection method: research. Allele origin: unknown. Affected: yes. Observed: 1 variant allele. Not counted in ClinVar's aggregate classification.
Comment: Variant able to rescue ALG9 knockout effect on Polycystin-1 maturation in vitro

Literature cited by the submitters: PubMed 31395617 (cited by Stefan Somlo Laboratory, Yale School of Medicine).

NM_024740.2(ALG9):c.944A>G (p.Asn315Ser)

Gene: ALG9 (ALG9 alpha-1,2-mannosyltransferase; minus strand). Cytogenetic location: 11q23.1.
Variant type: single nucleotide variant.
Coding change: c.944A>G on transcript NM_024740.2 (MANE Select); coding-DNA position 944, A replaced by G.
Protein change: p.Asn315Ser; replaces asparagine 315 with serine.
Molecular consequence: missense variant. On other transcripts: non-coding transcript variant (1), intron variant (2).
Genome position (GRCh38, 1-based): chr11:111,844,675, T>C on the plus strand (A>G on the coding strand, the complement: ALG9 is on the minus strand). VCF-style: chr11-111844675-T-C. GRCh37 (hg19) VCF-style: chr11-111715398-T-C.
Other names: c.944A>G, p.Asn315Ser (NM_001077690.1, NM_001352417.1); c.431A>G, p.Asn144Ser (NM_001077691.2, NM_001077692.2, NM_001352409.1 and 10 more transcripts); c.356A>G, p.Asn119Ser (NM_001352422.2); c.896-3866A>G (NM_001352418.1); c.383-3866A>G (NM_001352423.2); short protein forms N315S, N144S, N119S.
Identifiers: ClinVar variation 638633 (VCV000638633.3), dbSNP rs201090141, ClinGen allele CA6274519.